The following is an entry in ClinVar:

ClinVar aggregate classification (germline): Uncertain significance (1 of 4 stars; one submission).

Conditions:
Idiopathic Pulmonary Fibrosis. Also called: Idiopathic fibrosing alveolitis, chronic form; idiopathic fibrosing alveolitis. Identifiers: Orphanet 2032, MedGen C1800706, MeSH D054990, MONDO:0800504.
Dyskeratosis congenita, autosomal dominant 2. Identifiers: MedGen C3151443, MONDO:0013521, OMIM 613989.

Submission:

Labcorp Genetics (formerly Invitae), Labcorp
Classification: Uncertain significance for Dyskeratosis congenita, autosomal dominant 2; Idiopathic Pulmonary Fibrosis. Last evaluated: 2022-12-15. Review status: criteria provided, single submitter. Criteria: Invitae Variant Classification Sherloc (09022015). Collection method: clinical testing. Allele origin: germline.
Comment: In summary, the available evidence is currently insufficient to determine the role of this variant in disease. Therefore, it has been classified as a Variant of Uncertain Significance. Experimental studies and prediction algorithms are not available or were not evaluated, and the functional significance of this variant is currently unknown. This variant has not been reported in the literature in individuals affected with TERT-related conditions. This variant results in a copy number gain of the genomic region encompassing exon(s) 1-6 of the TERT gene. This region includes the initiator codon of the gene. This copy number gain extends beyond the assayed region for this gene and therefore may encompass additional genes. As the precise location of this event is unknown, it may be in tandem or it may be located elsewhere in the genome.

NC_000005.9:g.(?_1278746)_(1297488_?)dup

Gene: TERT (telomerase reverse transcriptase; minus strand). Cytogenetic location: 5p15.33.
Variant type: Duplication.
Identifiers: ClinVar variation 1000794 (VCV001000794.43).